The following is an entry in ClinVar:

NM_004859.4(CLTC):c.67G>C (p.Ala23Pro)

Gene: CLTC (clathrin heavy chain; plus strand). Cytogenetic location: 17q23.1.
Variant type: single nucleotide variant.
Coding change: c.67G>C on transcript NM_004859.4 (MANE Select); coding-DNA position 67, G replaced by C.
Protein change: p.Ala23Pro; replaces alanine 23 with proline.
Molecular consequence: missense variant.
Genome position (GRCh38, 1-based): chr17:59,644,300, G>C. VCF-style: chr17-59644300-G-C. GRCh37 (hg19) VCF-style: chr17-57721661-G-C.
Other names: c.67G>C, p.Ala23Pro (NM_001288653.2); short protein forms A23P.
Identifiers: ClinVar variation 4823254 (VCV004823254.4).

ClinVar aggregate classification (germline): Uncertain significance (1 of 4 stars; one submission).

Submission:

CeGaT Center for Human Genetics Tuebingen
Classification: Uncertain significance. Last evaluated: 2026-02-01. Review status: criteria provided, single submitter. Criteria: CeGaT Center For Human Genetics Tuebingen Variant Classification Criteria Version 2. Collection method: clinical testing. Allele origin: germline. Affected: yes. Observed: 1 variant allele.
Comment: CLTC: PM2, PP2